The following is an entry in ClinVar:

NM_006245.4(PPP2R5D):c.166A>C (p.Asn56His)

Gene: PPP2R5D (protein phosphatase 2 regulatory subunit B'delta; plus strand). Cytogenetic location: 6p21.1.
Variant type: single nucleotide variant.
Coding change: c.166A>C on transcript NM_006245.4 (MANE Select); coding-DNA position 166, A replaced by C.
Protein change: p.Asn56His; replaces asparagine 56 with histidine.
Molecular consequence: missense variant. On other transcripts: 5 prime UTR variant (1), intron variant (1).
Genome position (GRCh38, 1-based): chr6:43,006,523, A>C. VCF-style: chr6-43006523-A-C. GRCh37 (hg19) VCF-style: chr6-42974261-A-C.
Other names: c.-288A>C (NM_001270476.2); c.166A>C, p.Asn56His (NM_180976.3); c.28-411A>C (NM_180977.3); short protein forms N56H.
Identifiers: ClinVar variation 2174395 (VCV002174395.4), dbSNP rs1561849418, ClinGen allele CA364179151.

ClinVar aggregate classification (germline): Uncertain significance (1 of 4 stars; one submission).

Submission:

Labcorp Genetics (formerly Invitae), Labcorp
Classification: Uncertain significance. Last evaluated: 2024-10-22. Review status: criteria provided, single submitter. Criteria: Invitae Variant Classification Sherloc (09022015). Collection method: clinical testing. Allele origin: germline.
Comment: This sequence change replaces asparagine, which is neutral and polar, with histidine, which is basic and polar, at codon 56 of the PPP2R5D protein (p.Asn56His). This variant is not present in population databases (gnomAD no frequency). This variant has not been reported in the literature in individuals affected with PPP2R5D-related conditions. ClinVar contains an entry for this variant (Variation ID: 2174395). An algorithm developed to predict the effect of missense changes on protein structure and function (PolyPhen-2) suggests that this variant is likely to be disruptive. In summary, the available evidence is currently insufficient to determine the role of this variant in disease. Therefore, it has been classified as a Variant of Uncertain Significance.